The following is an entry in ClinVar:

NM_006361.6(HOXB13):c.758C>T (p.Thr253Ile)

Gene: HOXB13 (homeobox B13; minus strand). Cytogenetic location: 17q21.32.
Variant type: single nucleotide variant.
Coding change: c.758C>T on transcript NM_006361.6 (MANE Select); coding-DNA position 758, C replaced by T.
Protein change: p.Thr253Ile; replaces threonine 253 with isoleucine.
Molecular consequence: missense variant.
Genome position (GRCh38, 1-based): chr17:48,726,887, G>A on the plus strand (C>T on the coding strand, the complement: HOXB13 is on the minus strand). VCF-style: chr17-48726887-G-A. GRCh37 (hg19) VCF-style: chr17-46804249-G-A.
Other names: c.758C>T (NM_006361.5); short protein forms T253I.
Identifiers: ClinVar variation 999987 (VCV000999987.9), dbSNP rs949512119, ClinGen allele CA400105992.

ClinVar aggregate classification (germline): Uncertain significance. Review status: criteria provided, multiple submitters, no conflicts (2 of 4 stars). 2 submissions from 2 submitters: Uncertain significance (2). Last evaluated 2026-07-05.

Conditions:
Hereditary cancer-predisposing syndrome. Also called: Tumor predisposition; Hereditary Cancer Syndrome; Hereditary neoplastic syndrome; Neoplastic Syndromes, Hereditary. Identifiers: Orphanet 140162, MedGen C0027672, MeSH D009386, MONDO:0015356.

Submissions (2):

Ambry Genetics
Classification: Uncertain significance for Hereditary cancer-predisposing syndrome. Last evaluated: 2026-07-05. Review status: criteria provided, single submitter. Criteria: Ambry Variant Classification Scheme 2023. Collection method: clinical testing. Allele origin: germline.
Comment: The p.T253I variant (also known as c.758C>T), located in coding exon 2 of the HOXB13 gene, results from a C to T substitution at nucleotide position 758. The threonine at codon 253 is replaced by isoleucine, an amino acid with similar properties. This amino acid position is conserved. In addition, this alteration is predicted to be deleterious by in silico analysis. Based on the available evidence, the clinical significance of this variant remains unclear.

Labcorp Genetics (formerly Invitae), Labcorp
Classification: Uncertain significance. Last evaluated: 2020-08-27. Review status: criteria provided, single submitter. Criteria: Invitae Variant Classification Sherloc (09022015). Collection method: clinical testing. Allele origin: germline.
Comment: In summary, the available evidence is currently insufficient to determine the role of this variant in disease. Therefore, it has been classified as a Variant of Uncertain Significance. Algorithms developed to predict the effect of missense changes on protein structure and function are either unavailable or do not agree on the potential impact of this missense change (SIFT: "Tolerated"; PolyPhen-2: "Probably Damaging"; Align-GVGD: "Class C0"). This variant has not been reported in the literature in individuals with HOXB13-related conditions. This variant is not present in population databases (ExAC no frequency). This sequence change replaces threonine with isoleucine at codon 253 of the HOXB13 protein (p.Thr253Ile). The threonine residue is highly conserved and there is a moderate physicochemical difference between threonine and isoleucine.